The following is an entry in ClinVar:

NM_000334.4(SCN4A):c.614A>G (p.Tyr205Cys)

Gene: SCN4A (sodium voltage-gated channel alpha subunit 4; minus strand). Cytogenetic location: 17q23.3.
Variant type: single nucleotide variant.
Coding change: c.614A>G on transcript NM_000334.4 (MANE Select); coding-DNA position 614, A replaced by G.
Protein change: p.Tyr205Cys; replaces tyrosine 205 with cysteine.
Molecular consequence: missense variant.
Genome position (GRCh38, 1-based): chr17:63,971,251, T>C on the plus strand (A>G on the coding strand, the complement: SCN4A is on the minus strand). VCF-style: chr17-63971251-T-C. GRCh37 (hg19) VCF-style: chr17-62048611-T-C.
Other names: short protein forms Y205C.
Identifiers: ClinVar variation 1502976 (VCV001502976.10), dbSNP rs1021505320, ClinGen allele CA292972577.

ClinVar aggregate classification (germline): Uncertain significance. Review status: criteria provided, multiple submitters, no conflicts (2 of 4 stars). 3 submissions from 3 submitters: Uncertain significance (3). Last evaluated 2026-02-27.

Conditions:
Hyperkalemic periodic paralysis. Also called: Familial hyperkalemic periodic paralysis; Gamstorp disease. Identifiers: Orphanet 682, MedGen C0238357, MONDO:0008224, OMIM 170500, HP:0007215.
Inborn genetic diseases. Identifiers: MedGen C0950123, MeSH D030342.

Allele frequency attached by ClinVar (database versions not stated): gnomAD exomes below 0.00001 and 0.00001; TOPMed 0.00002; gnomAD 0.00003 and 0.00004.
gnomAD v4.1: 8 of 1,507,926 alleles (0.00053%); highest among the groups gnomAD compares: African/African-American, 0.0084%; no homozygotes.

Submissions (3):

Ambry Genetics
Classification: Uncertain significance for Inborn genetic diseases. Last evaluated: 2026-02-27. Review status: criteria provided, single submitter. Criteria: Ambry Variant Classification Scheme 2023. Collection method: clinical testing. Allele origin: germline.

GeneDx
Classification: Uncertain significance. Last evaluated: 2024-11-11. Review status: criteria provided, single submitter. Criteria: GeneDx Variant Classification Process June 2021. Collection method: clinical testing. Allele origin: germline. Affected: yes.
Comment: Not observed at significant frequency in large population cohorts (gnomAD); In silico analysis supports that this missense variant has a deleterious effect on protein structure/function; Has not been previously published as pathogenic or benign to our knowledge

Labcorp Genetics (formerly Invitae), Labcorp
Classification: Uncertain significance for Hyperkalemic periodic paralysis. Last evaluated: 2021-07-30. Review status: criteria provided, single submitter. Criteria: Invitae Variant Classification Sherloc (09022015). Collection method: clinical testing. Allele origin: germline.
Comment: In summary, the available evidence is currently insufficient to determine the role of this variant in disease. Therefore, it has been classified as a Variant of Uncertain Significance. Algorithms developed to predict the effect of missense changes on protein structure and function (SIFT, PolyPhen-2, Align-GVGD) all suggest that this variant is likely to be disruptive, but these predictions have not been confirmed by published functional studies and their clinical significance is uncertain. This variant has not been reported in the literature in individuals with SCN4A-related conditions. This variant is not present in population databases (ExAC no frequency). This sequence change replaces tyrosine with cysteine at codon 205 of the SCN4A protein (p.Tyr205Cys). The tyrosine residue is highly conserved and there is a large physicochemical difference between tyrosine and cysteine.